The following is an entry in ClinVar:

NM_001127671.2(LIFR):c.2464G>T (p.Glu822Ter)

Gene: LIFR (LIF receptor subunit alpha; minus strand). Cytogenetic location: 5p13.1.
Variant type: single nucleotide variant.
Coding change: c.2464G>T on transcript NM_001127671.2 (MANE Select); coding-DNA position 2464, G replaced by T.
Protein change: p.Glu822Ter; replaces glutamic acid 822 with a stop codon.
Molecular consequence: nonsense.
Genome position (GRCh38, 1-based): chr5:38,485,852, C>A on the plus strand (G>T on the coding strand, the complement: LIFR is on the minus strand). VCF-style: chr5-38485852-C-A. GRCh37 (hg19) VCF-style: chr5-38485954-C-A.
Other names: c.2464G>T, p.Glu822Ter (NM_001364297.2, NM_001364298.2, NM_002310.6); c.2464G>T (NM_002310.5); short protein forms E822*.
Identifiers: ClinVar variation 1437957 (VCV001437957.7), dbSNP rs745842249, ClinGen allele CA3242658.

ClinVar aggregate classification (germline): Pathogenic/Likely pathogenic. Review status: criteria provided, multiple submitters, no conflicts (2 of 4 stars). 2 submissions from 2 submitters: Pathogenic (1); Likely pathogenic (1). Last evaluated 2024-12-26.

Conditions:
Stuve-Wiedemann syndrome (STWS). Also called: Stüve-Wiedemann syndrome. Identifiers: Orphanet 3206, MedGen C0796176, MONDO:0031280.

Allele frequency attached by ClinVar (database versions not stated): ExAC 0.00001; gnomAD exomes 0.00001.

Submissions (2):

Natera, Inc.
Classification: Likely pathogenic for Stuve-Wiedemann syndrome. Last evaluated: 2024-12-26. Review status: criteria provided, single submitter. Criteria: Natera Variant Classification Schema (03/2026). Collection method: clinical testing. Allele origin: germline.
Comment: The c.2464G>T variant in LIFR is a nonsense variant predicted to introduce a stop codon at amino acid 822. This variant is expected to result in nonsense mediated decay, truncation, or a dysfunctional protein product. This variant is rare in the general population with a frequency below the threshold expected for the associated phenotype(s). Given the available evidence, this variant is classified as Likely Pathogenic.

Labcorp Genetics (formerly Invitae), Labcorp
Classification: Pathogenic. Last evaluated: 2023-09-06. Review status: criteria provided, single submitter. Criteria: Invitae Variant Classification Sherloc (09022015). Collection method: clinical testing. Allele origin: germline.
Comment: This sequence change creates a premature translational stop signal (p.Glu822*) in the LIFR gene. It is expected to result in an absent or disrupted protein product. Loss-of-function variants in LIFR are known to be pathogenic (PMID: 14740318). The frequency data for this variant in the population databases is considered unreliable, as metrics indicate poor data quality at this position in the gnomAD database. This variant has not been reported in the literature in individuals affected with LIFR-related conditions. ClinVar contains an entry for this variant (Variation ID: 1437957). For these reasons, this variant has been classified as Pathogenic. Algorithms developed to predict the effect of sequence changes on RNA splicing suggest that this variant may disrupt the consensus splice site.

Literature cited by the submitters: PubMed 14740318 (cited by Labcorp Genetics (formerly Invitae), Labcorp).